The following is an entry in ClinVar:

NM_014284.3(NCDN):c.1872T>C (p.Pro624=)

Gene: NCDN (neurochondrin; plus strand). Cytogenetic location: 1p34.3.
Variant type: single nucleotide variant.
Coding change: c.1872T>C on transcript NM_014284.3 (MANE Select); coding-DNA position 1872, T replaced by C.
Protein change: p.Pro624=; no amino-acid change (proline 624 retained).
Molecular consequence: synonymous variant.
Genome position (GRCh38, 1-based): chr1:35,565,345, T>C. VCF-style: chr1-35565345-T-C. GRCh37 (hg19) VCF-style: chr1-36030946-T-C.
Other names: c.1872T>C, p.Pro624= (NM_001014839.2); c.1821T>C, p.Pro607= (NM_001014841.2).
Identifiers: ClinVar variation 2638653 (VCV002638653.24), dbSNP rs371073565, ClinGen allele CA760376.

ClinVar aggregate classification (germline): Likely benign (1 of 4 stars; one submission).

Allele frequency attached by ClinVar (database versions not stated): TOPMed 0.00019; gnomAD 0.00020; ESP Exome Variant Server 0.00023; ExAC 0.00034.

Submission:

CeGaT Center for Human Genetics Tuebingen
Classification: Likely benign. Last evaluated: 2025-09-01. Review status: criteria provided, single submitter. Criteria: CeGaT Center For Human Genetics Tuebingen Variant Classification Criteria Version 2. Collection method: clinical testing. Allele origin: germline. Affected: yes. Observed: 3 variant alleles.
Comment: NCDN: BP4, BP7